The following is an entry in ClinVar:

NM_001375405.1(CEP120):c.1431-11_1431-10del

Gene: CEP120 (centrosomal protein 120; minus strand). Cytogenetic location: 5q23.2.
Variant type: Deletion.
Coding change: c.1431-11_1431-10del on transcript NM_001375405.1 (MANE Select); 11 bases into the intron before coding-DNA position 1431 through 10 bases into the intron before coding-DNA position 1431, 2 bases deleted (TT; older notation c.1431-11_1431-10delTT).
Molecular consequence: intron variant.
Genome position (GRCh38, 1-based): chr5:123,386,677-123,386,678, AA deleted on the plus strand (TT on the coding strand, the reverse complement: CEP120 is on the minus strand); deleting any 2 consecutive bases within chr5:123,386,677-123,386,698 gives the same sequence; the c. name uses the placement nearest the transcript's 3' end. VCF-style (leftmost placement, unchanged base first): chr5-123386676-TAA-T. GRCh37 (hg19) VCF-style: chr5-122722370-TAA-T.
Other names: p.?; c.1353-11_1353-10del (NM_001166226.2); c.1431-11_1431-10del (NM_153223.4, NM_001375407.1); c.858-11_858-10del (NM_001375408.1, NM_001375409.1); c.1296-11_1296-10del (NM_001375406.1).
Identifiers: ClinVar variation 4684859 (VCV004684859.2).

ClinVar aggregate classification (germline): Likely benign. Review status: criteria provided, multiple submitters, no conflicts (2 of 4 stars). 2 submissions from 2 submitters: Likely benign (2). Last evaluated 2025-02-18.

Submissions (2):

Mayo Clinic Laboratories, Mayo Clinic
Classification: Likely benign. Last evaluated: 2025-02-18. Review status: criteria provided, single submitter. Criteria: ACMG Guidelines, 2015. Collection method: clinical testing. Allele origin: germline. Observed: 2 variant alleles.
Comment: BS1, BP4, BP7

Blueprint Genetics
Classification: Likely benign. Last evaluated: 2024-11-12. Review status: criteria provided, single submitter. Criteria: ACMG Guidelines, 2015. Collection method: clinical testing. Allele origin: germline.